The following is an entry in ClinVar:

NM_002430.3(MN1):c.1853T>G (p.Phe618Cys)

Gene: MN1 (MN1 proto-oncogene, transcriptional regulator; minus strand). Cytogenetic location: 22q12.1.
Variant type: single nucleotide variant.
Coding change: c.1853T>G on transcript NM_002430.3 (MANE Select); coding-DNA position 1853, T replaced by G.
Protein change: p.Phe618Cys; replaces phenylalanine 618 with cysteine.
Molecular consequence: missense variant.
Genome position (GRCh38, 1-based): chr22:27,798,691, A>C on the plus strand (T>G on the coding strand, the complement: MN1 is on the minus strand). VCF-style: chr22-27798691-A-C. GRCh37 (hg19) VCF-style: chr22-28194679-A-C.
Other names: short protein forms F618C.
Identifiers: ClinVar variation 2634798 (VCV002634798.2), dbSNP rs778808295, ClinGen allele CA10166337.

ClinVar aggregate classification (germline): Uncertain significance. Review status: criteria provided, multiple submitters, no conflicts (2 of 4 stars). 2 submissions from 2 submitters: Uncertain significance (2). Last evaluated 2025-04-30.

Conditions:
Inborn genetic diseases. Identifiers: MedGen C0950123, MeSH D030342.
MN1-related disorder. Also called: MN1-related condition.

Submissions (2):

Ambry Genetics
Classification: Uncertain significance for Inborn genetic diseases. Last evaluated: 2025-04-30. Review status: criteria provided, single submitter. Criteria: Ambry Variant Classification Scheme 2023. Collection method: clinical testing. Allele origin: germline.

PreventionGenetics, part of Exact Sciences
Classification: Uncertain significance for MN1-related condition. Last evaluated: 2023-06-20. Review status: criteria provided, single submitter. Criteria: ACMG Guidelines, 2015. Collection method: clinical testing. Allele origin: germline.
Comment: The MN1 c.1853T>G variant is predicted to result in the amino acid substitution p.Phe618Cys. To our knowledge, this variant has not been reported in the literature. This variant is reported in 0.016% of alleles in individuals of Latino descent in gnomAD. At this time, the clinical significance of this variant is uncertain due to the absence of conclusive functional and genetic evidence.